The following is an entry in ClinVar:

NM_003242.6(TGFBR2):c.1337A>G (p.Asp446Gly)

Gene: TGFBR2 (transforming growth factor beta receptor 2; plus strand). Cytogenetic location: 3p24.1.
Variant type: single nucleotide variant.
Coding change: c.1337A>G on transcript NM_003242.6 (MANE Select); coding-DNA position 1337, A replaced by G.
Protein change: p.Asp446Gly; replaces aspartic acid 446 with glycine.
Molecular consequence: missense variant. On other transcripts: intron variant (1).
Genome position (GRCh38, 1-based): chr3:30,674,187, A>G. VCF-style: chr3-30674187-A-G. GRCh37 (hg19) VCF-style: chr3-30715679-A-G.
Other names: c.1412A>G, p.Asp471Gly (NM_001024847.3); c.1520A>G, p.Asp507Gly (NM_001407126.1); c.1445A>G, p.Asp482Gly (NM_001407127.1); c.1364A>G, p.Asp455Gly (NM_001407128.1); c.1340A>G, p.Asp447Gly (NM_001407129.1); c.1337A>G, p.Asp446Gly (NM_001407130.1); c.1232A>G, p.Asp411Gly (NM_001407132.1, NM_001407133.1, NM_001407134.1 and 2 more transcripts); c.1052A>G, p.Asp351Gly (NM_001407137.1); and 2 more; short protein forms D411G, D455G, D446G, D482G, D326G, D351G, D447G, D471G.
Identifiers: ClinVar variation 3673603 (VCV003673603.2).

ClinVar aggregate classification (germline): Likely pathogenic (1 of 4 stars; one submission).

Conditions:
Familial thoracic aortic aneurysm and aortic dissection (TAAD). Also called: Thoracic aortic aneurysms and dissections. Identifiers: Orphanet 91387, MedGen C4707243, MONDO:0019625.

Submission:

Labcorp Genetics (formerly Invitae), Labcorp
Classification: Likely pathogenic for Familial thoracic aortic aneurysm and aortic dissection. Last evaluated: 2024-02-17. Review status: criteria provided, single submitter. Criteria: Invitae Variant Classification Sherloc (09022015). Collection method: clinical testing. Allele origin: germline.
Comment: This sequence change replaces aspartic acid, which is acidic and polar, with glycine, which is neutral and non-polar, at codon 446 of the TGFBR2 protein (p.Asp446Gly). This variant is not present in population databases (gnomAD no frequency). This missense change has been observed in individual(s) with clinical features of Loeys Dietz syndrome (Invitae). Advanced modeling of protein sequence and biophysical properties (such as structural, functional, and spatial information, amino acid conservation, physicochemical variation, residue mobility, and thermodynamic stability) performed at Invitae indicates that this missense variant is expected to disrupt TGFBR2 protein function with a positive predictive value of 95%. This variant disrupts the p.Asp446 amino acid residue in TGFBR2. Other variant(s) that disrupt this residue have been determined to be pathogenic (PMID: 16251899, 19006214, 22095581). This suggests that this residue is clinically significant, and that variants that disrupt this residue are likely to be disease-causing. In summary, the currently available evidence indicates that the variant is pathogenic, but additional data are needed to prove that conclusively. Therefore, this variant has been classified as Likely Pathogenic.

Literature cited by the submitters: PubMed 16251899; PubMed 19006214; PubMed 22095581.